The following is an entry in ClinVar:

NM_001127671.2(LIFR):c.2643A>T (p.Ala881=)

Gene: LIFR (LIF receptor subunit alpha; minus strand). Cytogenetic location: 5p13.1.
Variant type: single nucleotide variant.
Coding change: c.2643A>T on transcript NM_001127671.2 (MANE Select); coding-DNA position 2643, A replaced by T.
Protein change: p.Ala881=; no amino-acid change (alanine 881 retained).
Molecular consequence: synonymous variant.
Genome position (GRCh38, 1-based): chr5:38,482,616, T>A on the plus strand (A>T on the coding strand, the complement: LIFR is on the minus strand). VCF-style: chr5-38482616-T-A. GRCh37 (hg19) VCF-style: chr5-38482718-T-A.
Other names: c.2643A>T, p.Ala881= (NM_001364297.2, NM_002310.6); c.2610A>T, p.Ala870= (NM_001364298.2).
Identifiers: ClinVar variation 734602 (VCV000734602.10), dbSNP rs141565142, ClinGen allele CA443943534.

ClinVar aggregate classification (germline): Likely benign. Review status: criteria provided, multiple submitters, no conflicts (2 of 4 stars). 2 submissions from 2 submitters: Likely benign (2). Last evaluated 2026-04-01.

gnomAD v4.1: 2 of 1,503,866 alleles (0.00013%); highest among the groups gnomAD compares: Non-Finnish European, 0.00018%; no homozygotes.

Submissions (2):

CeGaT Center for Human Genetics Tuebingen
Classification: Likely benign. Last evaluated: 2026-04-01. Review status: criteria provided, single submitter. Criteria: CeGaT Center For Human Genetics Tuebingen Variant Classification Criteria Version 2. Collection method: clinical testing. Allele origin: germline. Affected: yes. Observed: 1 variant allele.
Comment: LIFR: BP4, BP7

Labcorp Genetics (formerly Invitae), Labcorp
Classification: Likely benign. Last evaluated: 2023-12-26. Review status: criteria provided, single submitter. Criteria: Invitae Variant Classification Sherloc (09022015). Collection method: clinical testing. Allele origin: germline.